The following is an entry in ClinVar:

ClinVar aggregate classification (germline): Uncertain significance (1 of 4 stars; one submission).

gnomAD v4.1: 2 of 1,613,526 alleles (0.00012%); highest among the groups gnomAD compares: Non-Finnish European, 0.00017%; no homozygotes.

Submission:

CeGaT Center for Human Genetics Tuebingen
Classification: Uncertain significance. Last evaluated: 2025-04-01. Review status: criteria provided, single submitter. Criteria: CeGaT Center For Human Genetics Tuebingen Variant Classification Criteria Version 2. Collection method: clinical testing. Allele origin: germline. Affected: yes. Observed: 1 variant allele.
Comment: TNRC6B: PM2, BP4

NM_001162501.2(TNRC6B):c.5213C>G (p.Thr1738Ser)

Gene: TNRC6B (trinucleotide repeat containing adaptor 6B; plus strand). Cytogenetic location: 22q13.1.
Variant type: single nucleotide variant.
Coding change: c.5213C>G on transcript NM_001162501.2 (MANE Select); coding-DNA position 5213, C replaced by G.
Protein change: p.Thr1738Ser; replaces threonine 1738 with serine.
Molecular consequence: missense variant.
Genome position (GRCh38, 1-based): chr22:40,322,952, C>G. VCF-style: chr22-40322952-C-G. GRCh37 (hg19) VCF-style: chr22-40718956-C-G.
Other names: c.2801C>G, p.Thr934Ser (NM_001024843.2); c.4883C>G, p.Thr1628Ser (NM_015088.3); short protein forms T1628S, T1738S, T934S.
Identifiers: ClinVar variation 3778615 (VCV003778615.7).